The following is an entry in ClinVar:

NM_000059.4(BRCA2):c.1771A>C (p.Ile591Leu)

Gene: BRCA2 (BRCA2 DNA repair associated; plus strand). Cytogenetic location: 13q13.1.
Variant type: single nucleotide variant.
Coding change: c.1771A>C on transcript NM_000059.4 (MANE Select); coding-DNA position 1771, A replaced by C.
Protein change: p.Ile591Leu; replaces isoleucine 591 with leucine.
Molecular consequence: missense variant.
Genome position (GRCh38, 1-based): chr13:32,333,249, A>C. VCF-style: chr13-32333249-A-C. GRCh37 (hg19) VCF-style: chr13-32907386-A-C.
Other names: short protein forms I591L.
Identifiers: ClinVar variation 820029 (VCV000820029.10), dbSNP rs786203548, ClinGen allele CA387765633.

ClinVar aggregate classification (germline): Conflicting classifications of pathogenicity. Review status: criteria provided, conflicting classifications (1 of 4 stars). 4 submissions from 4 submitters: Uncertain significance (3); Likely benign (1). Last evaluated 2025-02-22.

Conditions:
Hereditary cancer-predisposing syndrome. Also called: Neoplastic Syndromes, Hereditary; Tumor predisposition; Hereditary Cancer Syndrome; Hereditary neoplastic syndrome. Identifiers: Orphanet 140162, MedGen C0027672, MeSH D009386, MONDO:0015356.

gnomAD v4.1: 1 of 1,611,966 alleles (0.000062%); highest among the groups gnomAD compares: South Asian, 0.0011%; no homozygotes.

Submissions (4):

Ambry Genetics
Classification: Uncertain significance for Hereditary cancer-predisposing syndrome. Last evaluated: 2025-02-22. Review status: criteria provided, single submitter. Criteria: Ambry Variant Classification Scheme 2023. Collection method: clinical testing. Allele origin: germline.
Comment: The p.I591L variant (also known as c.1771A>C), located in coding exon 9 of the BRCA2 gene, results from an A to C substitution at nucleotide position 1771. The isoleucine at codon 591 is replaced by leucine, an amino acid with highly similar properties. This amino acid position is well conserved in available vertebrate species. In addition, this alteration is predicted to be tolerated by in silico analysis. Since supporting evidence is limited at this time, the clinical significance of this alteration remains unclear.

University of Washington Department of Laboratory Medicine, University of Washington
Classification: Likely benign for Hereditary cancer-predisposing syndrome. Last evaluated: 2023-03-23. Review status: criteria provided, single submitter. Criteria: Dines et al. (Genet Med. 2020). Collection method: curation. Allele origin: germline.
Comment: Missense variant in a coldspot region where missense variants are very unlikely to be pathogenic (PMID:31911673).

BRCA2 exon 10 coldspot. Reclassification based on statistical prior probability.

Quest Diagnostics Nichols Institute San Juan Capistrano
Classification: Uncertain significance. Last evaluated: 2022-12-15. Review status: criteria provided, single submitter. Criteria: Quest Diagnostics criteria. Collection method: clinical testing. Allele origin: unknown.
Comment: The variant has not been reported in the published literature. It also has not been reported in large, multi-ethnic general populations. Analysis of this variant using bioinformatics tools for the prediction of the effect of amino acid changes on protein structure and function yielded conflicting predictions that this variant is benign or damaging. Based on the available information, we are unable to determine the clinical significance of this variant.

Color Diagnostics, LLC DBA Color Health
Classification: Uncertain significance for Hereditary cancer-predisposing syndrome. Last evaluated: 2022-10-10. Review status: criteria provided, single submitter. Criteria: ACMG Guidelines, 2015. Collection method: clinical testing. Allele origin: germline.
Comment: This missense variant replaces isoleucine with leucine at codon 591 of the BRCA2 protein. Computational prediction suggests that this variant may not impact protein structure and function (internally defined REVEL score threshold <= 0.5, PMID: 27666373). To our knowledge, functional studies have not been reported for this variant. This variant has not been reported in individuals affected with hereditary cancer in the literature. This variant has not been identified in the general population by the Genome Aggregation Database (gnomAD). The available evidence is insufficient to determine the role of this variant in disease conclusively. Therefore, this variant is classified as a Variant of Uncertain Significance.